The following is an entry in ClinVar:

ClinVar aggregate classification (germline): Uncertain significance. Review status: criteria provided, multiple submitters, no conflicts (2 of 4 stars). 2 submissions from 2 submitters: Uncertain significance (2). Last evaluated 2025-04-30.

Conditions:
Inborn genetic diseases. Identifiers: MedGen C0950123, MeSH D030342.
Deafness-lymphedema-leukemia syndrome. Also called: Emberger syndrome; Lymphedema, primary, with myelodysplasia. Identifiers: Orphanet 3226, MedGen C3279664, MONDO:0013540, OMIM 614038.
Monocytopenia with susceptibility to infections. Also called: IMMUNODEFICIENCY 21; MONOCYTOPENIA AND MYCOBACTERIAL INFECTION SYNDROME; MONOCYTOPENIA WITH SUSCEPTIBILITY TO MYCOBACTERIAL, FUNGAL, AND PAPILLOMAVIRUS INFECTIONS AND MYELODYSPLASIA; COMBINED IMMUNODEFICIENCY WITH SUSCEPTIBILITY TO MYCOBACTERIAL, VIRAL, AND FUNGAL INFECTIONS; Dendritic cell, monocyte, B lymphocyte, and natural killer lymphocyte deficiency; GATA2 DEFICIENCY. Identifiers: Orphanet 228423, MedGen C3280030, MONDO:0013607, OMIM 614172.

Allele frequency attached by ClinVar (database versions not stated): gnomAD exomes 0.00001; TOPMed below 0.00001; ExAC 0.00001.

Submissions (2):

Labcorp Genetics (formerly Invitae), Labcorp
Classification: Uncertain significance for Monocytopenia with susceptibility to infections; Deafness-lymphedema-leukemia syndrome. Last evaluated: 2025-04-30. Review status: criteria provided, single submitter. Criteria: Invitae Variant Classification Sherloc (09022015). Collection method: clinical testing. Allele origin: germline.
Comment: This sequence change replaces lysine, which is basic and polar, with arginine, which is basic and polar, at codon 405 of the GATA2 protein (p.Lys405Arg). This variant is present in population databases (rs768183373, gnomAD 0.0009%). This variant has not been reported in the literature in individuals affected with GATA2-related conditions. ClinVar contains an entry for this variant (Variation ID: 2166648). Invitae Evidence Modeling of protein sequence and biophysical properties (such as structural, functional, and spatial information, amino acid conservation, physicochemical variation, residue mobility, and thermodynamic stability) has been performed for this missense variant. However, the output from this modeling did not meet the statistical confidence thresholds required to predict the impact of this variant on GATA2 protein function. In summary, the available evidence is currently insufficient to determine the role of this variant in disease. Therefore, it has been classified as a Variant of Uncertain Significance.

Ambry Genetics
Classification: Uncertain significance for Inborn genetic diseases. Last evaluated: 2025-01-08. Review status: criteria provided, single submitter. Criteria: Ambry Variant Classification Scheme 2023. Collection method: clinical testing. Allele origin: germline.
Comment: The p.K405R variant (also known as c.1214A>G), located in coding exon 5 of the GATA2 gene, results from an A to G substitution at nucleotide position 1214. The lysine at codon 405 is replaced by arginine, an amino acid with highly similar properties. This amino acid position is highly conserved in available vertebrate species. In addition, the in silico prediction for this alteration is inconclusive. Based on the available evidence, the clinical significance of this variant remains unclear.

NM_032638.5(GATA2):c.1214A>G (p.Lys405Arg)

Gene: GATA2 (GATA binding protein 2; minus strand). Cytogenetic location: 3q21.3.
Variant type: single nucleotide variant.
Coding change: c.1214A>G on transcript NM_032638.5 (MANE Select); coding-DNA position 1214, A replaced by G.
Protein change: p.Lys405Arg; replaces lysine 405 with arginine.
Molecular consequence: missense variant.
Genome position (GRCh38, 1-based): chr3:128,481,248, T>C on the plus strand (A>G on the coding strand, the complement: GATA2 is on the minus strand). VCF-style: chr3-128481248-T-C. GRCh37 (hg19) VCF-style: chr3-128200091-T-C.
Other names: c.1214A>G, p.Lys405Arg (NM_001145661.2); c.1172A>G, p.Lys391Arg (NM_001145662.1); short protein forms K391R, K405R.
Identifiers: ClinVar variation 2166648 (VCV002166648.5), dbSNP rs768183373, ClinGen allele CA2599820.